The following is an entry in ClinVar:

NM_032806.6(POMGNT2):c.119G>A (p.Arg40Gln)

Gene: POMGNT2 (protein O-linked mannose N-acetylglucosaminyltransferase 2 (beta 1,4-); minus strand). Cytogenetic location: 3p22.1.
Variant type: single nucleotide variant.
Coding change: c.119G>A on transcript NM_032806.6 (MANE Select); coding-DNA position 119, G replaced by A.
Protein change: p.Arg40Gln; replaces arginine 40 with glutamine.
Molecular consequence: missense variant.
Genome position (GRCh38, 1-based): chr3:43,081,313, C>T on the plus strand (G>A on the coding strand, the complement: POMGNT2 is on the minus strand). VCF-style: chr3-43081313-C-T. GRCh37 (hg19) VCF-style: chr3-43122805-C-T.
Other names: c.119G>A (NM_032806.4); short protein forms R40Q.
Identifiers: ClinVar variation 473273 (VCV000473273.10), dbSNP rs146229269, ClinGen allele CA2340154.

ClinVar aggregate classification (germline): Conflicting classifications of pathogenicity. Review status: criteria provided, conflicting classifications (1 of 4 stars). 5 submissions from 5 submitters: Uncertain significance (3); Likely benign (2). Last evaluated 2025-08-02.

Conditions:
Muscular dystrophy-dystroglycanopathy (congenital with brain and eye anomalies), type a, 8 (MDDGA8). Also called: WALKER-WARBURG SYNDROME OR MUSCLE-EYE-BRAIN DISEASE, GTDC2-RELATED. Identifiers: Orphanet 899, MedGen C3553813, MONDO:0013904, OMIM 614830.
Inborn genetic diseases. Identifiers: MedGen C0950123, MeSH D030342.

Allele frequency attached by ClinVar (database versions not stated): ExAC 0.00018; gnomAD 0.00036; TOPMed 0.00056; ESP Exome Variant Server 0.00062; 1000 Genomes Project 30x 0.00078; 1000 Genomes Project 0.00100.

Submissions (5):

Ambry Genetics
Classification: Likely benign for Inborn genetic diseases. Last evaluated: 2025-08-02. Review status: criteria provided, single submitter. Criteria: Ambry Variant Classification Scheme 2023. Collection method: clinical testing. Allele origin: germline.

Women's Health and Genetics/Laboratory Corporation of America, LabCorp
Classification: Likely benign. Last evaluated: 2024-12-09. Review status: criteria provided, single submitter. Criteria: LabCorp Variant Classification Summary - May 2015. Collection method: clinical testing. Allele origin: germline.
Comment: Variant summary: POMGNT2 c.119G>A (p.Arg40Gln) results in a conservative amino acid change in the encoded protein sequence. Four of five in-silico tools predict a benign effect of the variant on protein function. The variant allele was found at a frequency of 0.00012 in 1612052 control chromosomes, predominantly at a frequency of 0.0015 within the East Asian subpopulation in the gnomAD database, including 1 homozygotes. The observed variant frequency within East Asian control individuals in the gnomAD database is approximately 1.34 fold of the estimated maximal expected allele frequency for a pathogenic variant in POMGNT2 causing Muscular dystrophy-dystroglycanopathy (congenital with brain and eye anomalies), type a, 8 phenotype (0.0011). To our knowledge, no occurrence of c.119G>A in individuals affected with Muscular dystrophy-dystroglycanopathy (congenital with brain and eye anomalies), type a, 8 and no experimental evidence demonstrating its impact on protein function have been reported. ClinVar contains an entry for this variant (Variation ID: 473273). Based on the evidence outlined above, the variant was classified as likely benign.

Labcorp Genetics (formerly Invitae), Labcorp
Classification: Uncertain significance for Muscular dystrophy-dystroglycanopathy (congenital with brain and eye anomalies), type a, 8. Last evaluated: 2022-08-10. Review status: criteria provided, single submitter. Criteria: Invitae Variant Classification Sherloc (09022015). Collection method: clinical testing. Allele origin: germline.
Comment: This sequence change replaces arginine, which is basic and polar, with glutamine, which is neutral and polar, at codon 40 of the POMGNT2 protein (p.Arg40Gln). This variant is present in population databases (rs146229269, gnomAD 0.1%). This variant has not been reported in the literature in individuals affected with POMGNT2-related conditions. ClinVar contains an entry for this variant (Variation ID: 473273). Algorithms developed to predict the effect of missense changes on protein structure and function output the following: SIFT: "Tolerated"; PolyPhen-2: "Benign"; Align-GVGD: "Class C0". The glutamine amino acid residue is found in multiple mammalian species, which suggests that this missense change does not adversely affect protein function. In summary, the available evidence is currently insufficient to determine the role of this variant in disease. Therefore, it has been classified as a Variant of Uncertain Significance.

Revvity Omics, Revvity
Classification: Uncertain significance. Last evaluated: 2021-11-02. Review status: criteria provided, single submitter. Criteria: ACMG Guidelines, 2015. Collection method: clinical testing. Allele origin: germline.

GeneDx
Classification: Uncertain significance. Last evaluated: 2019-11-22. Review status: criteria provided, single submitter. Criteria: GeneDx Variant Classification Process June 2021. Collection method: clinical testing. Allele origin: germline. Affected: yes.
Comment: In silico analysis, which includes protein predictors and evolutionary conservation, supports that this variant does not alter protein structure/function; Has not been previously published as pathogenic or benign to our knowledge